The following is an entry in ClinVar:

ClinVar aggregate classification (germline): Benign/Likely benign. Review status: criteria provided, multiple submitters, no conflicts (2 of 4 stars). 4 submissions from 4 submitters: Benign (2); Likely benign (2). Last evaluated 2025-02-16.

Conditions:
Familial thoracic aortic aneurysm and aortic dissection (TAAD). Also called: Thoracic aortic aneurysms and dissections. Identifiers: Orphanet 91387, MedGen C4707243, MONDO:0019625.

Allele frequency attached by ClinVar (database versions not stated): TOPMed 0.00002; gnomAD exomes 0.00004 and 0.00005; ExAC 0.00006; gnomAD 0.00009.
gnomAD v4.1: 70 of 1,612,352 alleles (0.0043%); highest among the groups gnomAD compares: East Asian, 0.0045%; no homozygotes.

Submissions (4):

Laboratory of Genetics, Children's Clinical University Hospital Latvia
Classification: Benign. Last evaluated: 2025-02-16. Review status: criteria provided, single submitter. Criteria: ACMG Guidelines, 2015. Collection method: clinical testing. Allele origin: germline. Affected: yes.

Blueprint Genetics
Classification: Likely benign. Last evaluated: 2024-10-02. Review status: criteria provided, single submitter. Criteria: ACMG Guidelines, 2015. Collection method: clinical testing. Allele origin: germline.

Labcorp Genetics (formerly Invitae), Labcorp
Classification: Likely benign for Familial thoracic aortic aneurysm and aortic dissection. Last evaluated: 2022-10-19. Review status: criteria provided, single submitter. Criteria: Invitae Variant Classification Sherloc (09022015). Collection method: clinical testing. Allele origin: germline.

GeneDx
Classification: Benign. Last evaluated: 2017-03-27. Review status: criteria provided, single submitter. Criteria: GeneDx Variant Classification (06012015). Collection method: clinical testing. Allele origin: germline. Affected: yes.
Comment: This variant is considered likely benign or benign based on one or more of the following criteria: it is a conservative change, it occurs at a poorly conserved position in the protein, it is predicted to be benign by multiple in silico algorithms, and/or has population frequency not consistent with disease.

NM_005902.4(SMAD3):c.1009+7G>A

Gene: SMAD3 (SMAD family member 3; plus strand). Cytogenetic location: 15q22.33.
Variant type: single nucleotide variant.
Coding change: c.1009+7G>A on transcript NM_005902.4 (MANE Select); 7 bases into the intron after coding-DNA position 1009, G replaced by A.
Molecular consequence: intron variant.
Genome position (GRCh38, 1-based): chr15:67,184,871, G>A. VCF-style: chr15-67184871-G-A. GRCh37 (hg19) VCF-style: chr15-67477209-G-A.
Other names: c.694+7G>A (NM_001145102.2); c.877+7G>A (NM_001145103.2); c.424+7G>A (NM_001145104.2).
Identifiers: ClinVar variation 516676 (VCV000516676.13), dbSNP rs772242555, ClinGen allele CA061511.